The following is an entry in ClinVar:

ClinVar aggregate classification (germline): Uncertain significance. Review status: criteria provided, multiple submitters, no conflicts (2 of 4 stars). 3 submissions from 3 submitters: Uncertain significance (3). Last evaluated 2025-12-30.

Conditions:
Inborn genetic diseases. Identifiers: MedGen C0950123, MeSH D030342.
Autosomal dominant nonsyndromic hearing loss 3B. Identifiers: Orphanet 90635, MedGen C2675237, MONDO:0012975, OMIM 612643.
Hidrotic ectodermal dysplasia syndrome (GJB6). Also called: Ectodermal dysplasia 2, hidrotic; Autosomal dominant hidrotic ectodermal dysplasia; Clouston syndrome; Clouston's hidrotic ectodermal dysplasia; ECTODERMAL DYSPLASIA 2, CLOUSTON TYPE; CLOUSTON HIDROTIC ECTODERMAL DYSPLASIA. Identifiers: Orphanet 189, MedGen C0162361, MONDO:0007510, OMIM 129500.
Autosomal recessive nonsyndromic hearing loss 1A (DFNB1A). Also called: Nonsyndromic Hearing Loss and Deafness, DFNB1; GJB6-Related DFNB 1 Nonsyndromic Hearing Loss and Deafness; Deafness, autosomal recessive 1A; GJB2-Related Autosomal Recessive Nonsyndromic Hearing Loss; Connexin 26 deafness; Deafness nonsyndromic, Connexin 26 linked. Identifiers: Orphanet 90636, MedGen C2673759, MONDO:0009076, OMIM 220290.
Autosomal recessive nonsyndromic hearing loss 1B. Also called: DEAFNESS, AUTOSOMAL RECESSIVE 1B. Identifiers: Orphanet 90636, MedGen C2675235, MONDO:0012977, OMIM 612645.

Allele frequency attached by ClinVar (database versions not stated): ExAC 0.00005; gnomAD exomes 0.00006 and 0.00002.
gnomAD v4.1: 39 of 1,614,120 alleles (0.0024%); highest among the groups gnomAD compares: Non-Finnish European, 0.00042%; no homozygotes.

Submissions (3):

Labcorp Genetics (formerly Invitae), Labcorp
Classification: Uncertain significance for Autosomal dominant nonsyndromic hearing loss 3B; Hidrotic ectodermal dysplasia syndrome; Autosomal recessive nonsyndromic hearing loss 1B; Autosomal recessive nonsyndromic hearing loss 1A. Last evaluated: 2025-12-30. Review status: criteria provided, single submitter. Criteria: Invitae Variant Classification Sherloc (09022015). Collection method: clinical testing. Allele origin: germline.
Comment: This sequence change replaces proline, which is neutral and non-polar, with leucine, which is neutral and non-polar, at codon 173 of the GJB6 protein (p.Pro173Leu). This variant is present in population databases (rs200480676, gnomAD 0.1%), and has an allele count higher than expected for a pathogenic variant. This variant has not been reported in the literature in individuals affected with GJB6-related conditions. ClinVar contains an entry for this variant (Variation ID: 969013). Invitae Evidence Modeling of protein sequence and biophysical properties (such as structural, functional, and spatial information, amino acid conservation, physicochemical variation, residue mobility, and thermodynamic stability) has been performed for this missense variant. However, the output from this modeling did not meet the statistical confidence thresholds required to predict the impact of this variant on GJB6 protein function. In summary, the available evidence is currently insufficient to determine the role of this variant in disease. Therefore, it has been classified as a Variant of Uncertain Significance.

Ambry Genetics
Classification: Uncertain significance for Inborn genetic diseases. Last evaluated: 2025-01-22. Review status: criteria provided, single submitter. Criteria: Ambry Variant Classification Scheme 2023. Collection method: clinical testing. Allele origin: germline.

GeneDx
Classification: Uncertain significance. Last evaluated: 2023-03-23. Review status: criteria provided, single submitter. Criteria: GeneDx Variant Classification Process June 2021. Collection method: clinical testing. Allele origin: germline. Affected: yes.
Comment: In silico analysis supports that this missense variant has a deleterious effect on protein structure/function; Has not been previously published as pathogenic or benign to our knowledge

NM_001110219.3(GJB6):c.518C>T (p.Pro173Leu)

Gene: GJB6 (gap junction protein beta 6; minus strand). Cytogenetic location: 13q12.11.
Variant type: single nucleotide variant.
Coding change: c.518C>T on transcript NM_001110219.3 (MANE Select); coding-DNA position 518, C replaced by T.
Protein change: p.Pro173Leu; replaces proline 173 with leucine.
Molecular consequence: missense variant.
Genome position (GRCh38, 1-based): chr13:20,222,963, G>A on the plus strand (C>T on the coding strand, the complement: GJB6 is on the minus strand). VCF-style: chr13-20222963-G-A. GRCh37 (hg19) VCF-style: chr13-20797102-G-A.
Other names: c.518C>T, p.Pro173Leu (NM_001110220.3, NM_001110221.3, NM_001370090.1 and 3 more transcripts); short protein forms P173L.
Identifiers: ClinVar variation 969013 (VCV000969013.13), dbSNP rs200480676, ClinGen allele CA6904423.